The following is an entry in ClinVar:

NM_198576.4(AGRN):c.689A>G (p.Gln230Arg)

Genes: AGRN (agrin; plus strand), LOC129929077 (ATAC-STARR-seq lymphoblastoid silent region 23; plus strand). Cytogenetic location: 1p36.33.
Variant type: single nucleotide variant.
Coding change: c.689A>G on transcript NM_198576.4 (MANE Select); coding-DNA position 689, A replaced by G.
Protein change: p.Gln230Arg; replaces glutamine 230 with arginine.
Molecular consequence: missense variant.
Genome position (GRCh38, 1-based): chr1:1,040,842, A>G. VCF-style: chr1-1040842-A-G. GRCh37 (hg19) VCF-style: chr1-976222-A-G.
Other names: c.689A>G, p.Gln230Arg (NM_001305275.2); c.374A>G, p.Gln125Arg (NM_001364727.2); short protein forms Q230R, Q125R.
Identifiers: ClinVar variation 1429021 (VCV001429021.8), dbSNP rs767155884, ClinGen allele CA507892.

ClinVar aggregate classification (germline): Uncertain significance (1 of 4 stars; one submission).

Conditions:
Congenital myasthenic syndrome 8. Also called: MYASTHENIC SYNDROME, CONGENITAL, DUE TO AGRIN DEFICIENCY; Myasthenic syndrome, congenital, 8, with pre- and postsynaptic defects. Identifiers: Orphanet 590, MedGen C3808739, MONDO:0014052, OMIM 615120.

Allele frequency attached by ClinVar (database versions not stated): gnomAD exomes 0.00002 and below 0.00001; ExAC 0.00008; TOPMed 0.00001.
gnomAD v4.1: 4 of 1,532,736 alleles (0.00026%); highest among the groups gnomAD compares: Admixed American, 0.002%; no homozygotes.

Submission:

Labcorp Genetics (formerly Invitae), Labcorp
Classification: Uncertain significance for Congenital myasthenic syndrome 8. Last evaluated: 2025-09-08. Review status: criteria provided, single submitter. Criteria: Invitae Variant Classification Sherloc (09022015). Collection method: clinical testing. Allele origin: germline.
Comment: This sequence change replaces glutamine, which is neutral and polar, with arginine, which is basic and polar, at codon 230 of the AGRN protein (p.Gln230Arg). This variant is present in population databases (rs767155884, gnomAD 0.004%). This variant has not been reported in the literature in individuals affected with AGRN-related conditions. ClinVar contains an entry for this variant (Variation ID: 1429021). An algorithm developed to predict the effect of missense changes on protein structure and function outputs the following: PolyPhen-2: "Benign". The arginine amino acid residue is found in multiple mammalian species, which suggests that this missense change does not adversely affect protein function. In summary, the available evidence is currently insufficient to determine the role of this variant in disease. Therefore, it has been classified as a Variant of Uncertain Significance.